The following is an entry in ClinVar:

ClinVar aggregate classification (germline): Uncertain significance (1 of 4 stars; one submission).

Submission:

Labcorp Genetics (formerly Invitae), Labcorp
Classification: Uncertain significance. Last evaluated: 2022-05-12. Review status: criteria provided, single submitter. Criteria: Invitae Variant Classification Sherloc (09022015). Collection method: clinical testing. Allele origin: germline.
Comment: This sequence change replaces glutamic acid, which is acidic and polar, with aspartic acid, which is acidic and polar, at codon 200 of the COL9A3 protein (p.Glu200Asp). In summary, the available evidence is currently insufficient to determine the role of this variant in disease. Therefore, it has been classified as a Variant of Uncertain Significance. Advanced modeling of protein sequence and biophysical properties (such as structural, functional, and spatial information, amino acid conservation, physicochemical variation, residue mobility, and thermodynamic stability) performed at Invitae indicates that this missense variant is not expected to disrupt COL9A3 protein function. This variant has not been reported in the literature in individuals affected with COL9A3-related conditions. This variant is not present in population databases (gnomAD no frequency).

NM_001853.4(COL9A3):c.600G>C (p.Glu200Asp)

Gene: COL9A3 (collagen type IX alpha 3 chain; plus strand). Cytogenetic location: 20q13.33.
Variant type: single nucleotide variant.
Coding change: c.600G>C on transcript NM_001853.4 (MANE Select); coding-DNA position 600, G replaced by C.
Protein change: p.Glu200Asp; replaces glutamic acid 200 with aspartic acid.
Molecular consequence: missense variant.
Genome position (GRCh38, 1-based): chr20:62,824,991, G>C. VCF-style: chr20-62824991-G-C. GRCh37 (hg19) VCF-style: chr20-61456343-G-C.
Other names: short protein forms E200D.
Identifiers: ClinVar variation 1993670 (VCV001993670.4), dbSNP rs370882651, ClinGen allele CA409590874.
Genomic context (GRCh38, chr20:62,824,991, plus strand): 5'-GGTCTGGGTGGGGCAGTGACCCCACATTTGCTTGCAGGGACCCACTGGCTACAAAGGCGA[G>C]CAGGGGGAAGTCGGCAAGGACGGCGAGAAGGTGAAGCTGCCGCACAGCAGCTGGGGAGGA-3'
Protein context (NP_001844.3, residues 190-210): GFKGPTGYKG[Glu200Asp]QGEVGKDGEK